The following is an entry in ClinVar:

ClinVar aggregate classification (germline): Benign. Review status: criteria provided, multiple submitters, no conflicts (2 of 4 stars). 4 submissions from 3 submitters: Benign (4). Last evaluated 2021-07-10.

Conditions:
Autosomal recessive nonsyndromic hearing loss 18A. Also called: DEAFNESS, AUTOSOMAL RECESSIVE 18; Deafness, autosomal recessive 18A. Identifiers: Orphanet 90636, MedGen C1865870, MONDO:0011192, OMIM 602092.
Usher syndrome type 1C. Also called: USHER SYNDROME, TYPE I, ACADIAN VARIETY. Identifiers: Orphanet 231169, Orphanet 886, MedGen C1848604, MONDO:0010171, OMIM 276904.

Allele frequency attached by ClinVar (database versions not stated): ESP Exome Variant Server 0.68327; TOPMed 0.69947; 1000 Genomes Project 0.72684; 1000 Genomes Project 30x 0.72689.
gnomAD v4.1: 1,124,540 of 1,611,520 alleles (70%); highest among the groups gnomAD compares: Admixed American, 79%; 393,848 homozygotes.

Submissions (4):

Genome-Nilou Lab
Classification: Benign for Usher syndrome type 1C. Last evaluated: 2021-07-10. Review status: criteria provided, single submitter. Criteria: ACMG Guidelines, 2015. Collection method: clinical testing. Allele origin: germline. Affected: no.

Genome-Nilou Lab
Classification: Benign for Autosomal recessive nonsyndromic hearing loss 18A. Last evaluated: 2021-07-10. Review status: criteria provided, single submitter. Criteria: ACMG Guidelines, 2015. Collection method: clinical testing. Allele origin: germline. Affected: no.

GeneDx
Classification: Benign. Last evaluated: 2018-06-14. Review status: criteria provided, single submitter. Criteria: GeneDx Variant Classification (06012015). Collection method: clinical testing. Allele origin: germline. Affected: yes.
Comment: This variant is considered likely benign or benign based on one or more of the following criteria: it is a conservative change, it occurs at a poorly conserved position in the protein, it is predicted to be benign by multiple in silico algorithms, and/or has population frequency not consistent with disease.

Breakthrough Genomics
Classification: Benign. Review status: criteria provided, single submitter. Criteria: ACMG Guidelines, 2015. Collection method: not provided. Allele origin: germline. Inheritance: Autosomal recessive inheritance. Affected: yes.

NM_153676.4(USH1C):c.1261-34C>T

Gene: USH1C (USH1 protein network component harmonin; minus strand). Cytogenetic location: 11p15.1.
Variant type: single nucleotide variant.
Coding change: c.1261-34C>T on transcript NM_153676.4 (MANE Select); 34 bases into the intron before coding-DNA position 1261, C replaced by T.
Molecular consequence: intron variant.
Genome position (GRCh38, 1-based): chr11:17,512,088, G>A on the plus strand (C>T on the coding strand, the complement: USH1C is on the minus strand). VCF-style: chr11-17512088-G-A. GRCh37 (hg19) VCF-style: chr11-17533635-G-A.
Other names: c.1227+5313C>T (NM_001297764.2); c.1284+5313C>T (NM_005709.4).
Identifiers: ClinVar variation 670417 (VCV000670417.5), dbSNP rs2190454, ClinGen allele CA5904617.